The following is an entry in ClinVar:

NM_019032.6(ADAMTSL4):c.2763+12G>A

Gene: ADAMTSL4 (ADAMTS like 4; plus strand). Cytogenetic location: 1q21.2.
Variant type: single nucleotide variant.
Coding change: c.2763+12G>A on transcript NM_019032.6 (MANE Select); 12 bases into the intron after coding-DNA position 2763, G replaced by A.
Molecular consequence: intron variant.
Genome position (GRCh38, 1-based): chr1:150,559,177, G>A. VCF-style: chr1-150559177-G-A. GRCh37 (hg19) VCF-style: chr1-150531653-G-A.
Other names: c.2832+12G>A (NM_001288608.2); c.2646+12G>A (NM_001288607.2); c.2763+12G>A (NM_001378596.1).
Identifiers: ClinVar variation 874506 (VCV000874506.13), dbSNP rs200136870, ClinGen allele CA1078831.

ClinVar aggregate classification (germline): Benign/Likely benign. Review status: criteria provided, multiple submitters, no conflicts (2 of 4 stars). 5 submissions from 4 submitters: Benign (3); Likely benign (2). Last evaluated 2026-02-01.

Conditions:
Ectopia lentis et pupillae. Also called: ECTOPIA LENTIS WITH ECTOPIA OF PUPIL. Identifiers: Orphanet 1885, MedGen C1644196, MONDO:0009153, OMIM 225200.
Ectopia lentis 2, isolated, autosomal recessive (ECTOL2). Identifiers: Orphanet 1885, MedGen C3541474, MONDO:0009152, OMIM 225100.

Allele frequency attached by ClinVar (database versions not stated): 1000 Genomes Project 0.00020; 1000 Genomes Project 30x 0.00031; ESP Exome Variant Server 0.00131; gnomAD 0.00176 and 0.00185; TOPMed 0.00197; gnomAD exomes 0.00265; ExAC 0.00298.
gnomAD v4.1: 4,086 of 1,612,132 alleles (0.25%); highest among the groups gnomAD compares: Admixed American, 0.4%; 11 homozygotes.

Submissions (5):

Labcorp Genetics (formerly Invitae), Labcorp
Classification: Benign. Last evaluated: 2026-02-01. Review status: criteria provided, single submitter. Criteria: Invitae Variant Classification Sherloc (09022015). Collection method: clinical testing. Allele origin: germline.

Blueprint Genetics
Classification: Likely benign. Last evaluated: 2024-11-19. Review status: criteria provided, single submitter. Criteria: ACMG Guidelines, 2015. Collection method: clinical testing. Allele origin: germline.

Genome-Nilou Lab
Classification: Benign for Ectopia lentis et pupillae. Last evaluated: 2023-04-11. Review status: criteria provided, single submitter. Criteria: ACMG Guidelines, 2015. Collection method: clinical testing. Allele origin: germline. Affected: no.

Genome-Nilou Lab
Classification: Benign for Ectopia lentis 2, isolated, autosomal recessive. Last evaluated: 2023-04-11. Review status: criteria provided, single submitter. Criteria: ACMG Guidelines, 2015. Collection method: clinical testing. Allele origin: germline. Affected: no.

Illumina Laboratory Services, Illumina
Classification: Likely benign for Ectopia lentis 2, isolated, autosomal recessive. Last evaluated: 2018-01-13. Review status: criteria provided, single submitter. Criteria: ICSL Variant Classification Criteria 13 December 2019. Collection method: clinical testing. Allele origin: germline.
Comment: This variant was observed in the ICSL laboratory as part of a predisposition screen in an ostensibly healthy population. It had not been previously curated by ICSL or reported in the Human Gene Mutation Database (HGMD: prior to June 1st, 2018), and was therefore a candidate for classification through an automated scoring system. Utilizing variant allele frequency, disease prevalence and penetrance estimates, and inheritance mode, an automated score was calculated to assess if this variant is too frequent to cause the disease. Based on the score and internal cut-off values, a variant classified as likely benign is not then subjected to further curation. The score for this variant resulted in a classification of likely benign for this disease.